The following is an entry in ClinVar:

ClinVar aggregate classification (germline): Uncertain significance (1 of 4 stars; one submission).

Conditions:
Hereditary cancer-predisposing syndrome. Also called: Neoplastic Syndromes, Hereditary; Tumor predisposition; Hereditary Cancer Syndrome; Hereditary neoplastic syndrome. Identifiers: Orphanet 140162, MedGen C0027672, MeSH D009386, MONDO:0015356.

Submission:

Ambry Genetics
Classification: Uncertain significance for Hereditary cancer-predisposing syndrome. Last evaluated: 2025-10-14. Review status: criteria provided, single submitter. Criteria: Ambry Variant Classification Scheme 2023. Collection method: clinical testing. Allele origin: germline.
Comment: The p.N1395H variant (also known as c.4183A>C), located in coding exon 27 of the ATM gene, results from an A to C substitution at nucleotide position 4183. The asparagine at codon 1395 is replaced by histidine, an amino acid with similar properties. This amino acid position is conserved. In addition, this alteration is predicted to be tolerated by in silico analysis. Based on the available evidence, the clinical significance of this variant remains unclear.

NM_000051.4(ATM):c.4183A>C (p.Asn1395His)

Gene: ATM (ATM serine/threonine kinase; plus strand). Cytogenetic location: 11q22.3.
Variant type: single nucleotide variant.
Coding change: c.4183A>C on transcript NM_000051.4 (MANE Select); coding-DNA position 4183, A replaced by C.
Protein change: p.Asn1395His; replaces asparagine 1395 with histidine.
Molecular consequence: missense variant.
Genome position (GRCh38, 1-based): chr11:108,289,050, A>C. VCF-style: chr11-108289050-A-C. GRCh37 (hg19) VCF-style: chr11-108159777-A-C.
Other names: c.4183A>C, p.Asn1395His (NM_001351834.2); short protein forms N1395H.
Identifiers: ClinVar variation 4617682 (VCV004617682.1).